The following is an entry in ClinVar:

NM_000059.4(BRCA2):c.10117C>G (p.Pro3373Ala)

Gene: BRCA2 (BRCA2 DNA repair associated; plus strand). Cytogenetic location: 13q13.1.
Variant type: single nucleotide variant.
Coding change: c.10117C>G on transcript NM_000059.4 (MANE Select); coding-DNA position 10117, C replaced by G.
Protein change: p.Pro3373Ala; replaces proline 3373 with alanine.
Molecular consequence: missense variant. On other transcripts: non-coding transcript variant (1).
Genome position (GRCh38, 1-based): chr13:32,398,630, C>G. VCF-style: chr13-32398630-C-G. GRCh37 (hg19) VCF-style: chr13-32972767-C-G.
Other names: c.10021C>G, p.Pro3341Ala (NM_001406719.1); c.10066C>G, p.Pro3356Ala (NM_001406720.1); c.5185C>G, p.Pro1729Ala (NM_001406721.1); c.3700C>G, p.Pro1234Ala (NM_001406722.1); short protein forms P3356A, P1234A, P1729A, P3341A, P3373A.
Identifiers: ClinVar variation 3021677 (VCV003021677.4), dbSNP rs2137666781, ClinGen allele CA387768053.

ClinVar aggregate classification (germline): Uncertain significance. Review status: criteria provided, multiple submitters, no conflicts (2 of 4 stars). 2 submissions from 2 submitters: Uncertain significance (2). Last evaluated 2025-01-06.

Conditions:
Hereditary breast ovarian cancer syndrome. Also called: Hereditary breast and ovarian cancer syndrome (HBOC); Breast and ovarian cancer; Hereditary breast and ovarian cancer; BRCA1- and BRCA2-Associated Hereditary Breast and Ovarian Cancer; Hereditary breast and ovarian cancer syndrome; Hereditary breast and/or ovarian cancer syndrome. Identifiers: Orphanet 145, MedGen C0677776, MeSH D061325, MONDO:0003582. Disease mechanism: loss of function.
Hereditary cancer-predisposing syndrome. Also called: Tumor predisposition; Hereditary neoplastic syndrome; Hereditary Cancer Syndrome; Neoplastic Syndromes, Hereditary. Identifiers: Orphanet 140162, MedGen C0027672, MeSH D009386, MONDO:0015356.

Submissions (2):

Labcorp Genetics (formerly Invitae), Labcorp
Classification: Uncertain significance for Hereditary breast ovarian cancer syndrome. Last evaluated: 2025-01-06. Review status: criteria provided, single submitter. Criteria: Invitae Variant Classification Sherloc (09022015). Collection method: clinical testing. Allele origin: germline.
Comment: This sequence change replaces proline, which is neutral and non-polar, with alanine, which is neutral and non-polar, at codon 3373 of the BRCA2 protein (p.Pro3373Ala). This variant is not present in population databases (gnomAD no frequency). This variant has not been reported in the literature in individuals affected with BRCA2-related conditions. ClinVar contains an entry for this variant (Variation ID: 3021677). Invitae Evidence Modeling of protein sequence and biophysical properties (such as structural, functional, and spatial information, amino acid conservation, physicochemical variation, residue mobility, and thermodynamic stability) indicates that this missense variant is not expected to disrupt BRCA2 protein function with a negative predictive value of 95%. In summary, the available evidence is currently insufficient to determine the role of this variant in disease. Therefore, it has been classified as a Variant of Uncertain Significance.

Ambry Genetics
Classification: Uncertain significance for Hereditary cancer-predisposing syndrome. Last evaluated: 2024-01-07. Review status: criteria provided, single submitter. Criteria: Ambry Variant Classification Scheme 2023. Collection method: clinical testing. Allele origin: germline.
Comment: The p.P3373A variant (also known as c.10117C>G), located in coding exon 26 of the BRCA2 gene, results from a C to G substitution at nucleotide position 10117. The proline at codon 3373 is replaced by alanine, an amino acid with highly similar properties. This amino acid position is conserved. In addition, this alteration is predicted to be tolerated by in silico analysis. Since supporting evidence is limited at this time, the clinical significance of this alteration remains unclear.